The following is an entry in ClinVar:

ClinVar aggregate classification (germline): Uncertain significance. Review status: criteria provided, multiple submitters, no conflicts (2 of 4 stars). 3 submissions from 3 submitters: Uncertain significance (3). Last evaluated 2025-07-09.

Allele frequency attached by ClinVar (database versions not stated): gnomAD exomes 0.00002 and 0.00007; gnomAD 0.00003; TOPMed 0.00005; ESP Exome Variant Server 0.00015.
gnomAD v4.1: 100 of 1,607,620 alleles (0.0062%); highest among the groups gnomAD compares: Non-Finnish European, 0.0082%; no homozygotes.

Submissions (3):

Women's Health and Genetics/Laboratory Corporation of America, LabCorp
Classification: Uncertain significance. Last evaluated: 2025-07-09. Review status: criteria provided, single submitter. Criteria: LabCorp Variant Classification Summary - May 2015. Collection method: clinical testing. Allele origin: germline.
Comment: Variant summary: NUP133 c.863G>C (p.Ser288Thr) results in a conservative amino acid change in the encoded protein sequence. Algorithms developed to predict the effect of missense changes on protein structure and function all suggest that this variant is likely to be tolerated. The variant allele was found at a frequency of 1.6e-05 in 244316 control chromosomes. The available data on variant occurrences in the general population are insufficient to allow any conclusion about variant significance. To our knowledge, no occurrence of c.863G>C in individuals affected with NUP133-Related Disorders and no experimental evidence demonstrating its impact on protein function have been reported. ClinVar contains an entry for this variant (Variation ID: 1436717). Based on the evidence outlined above, the variant was classified as uncertain significance.

Ambry Genetics
Classification: Uncertain significance. Last evaluated: 2025-04-02. Review status: criteria provided, single submitter. Criteria: Ambry Variant Classification Scheme 2023. Collection method: clinical testing. Allele origin: germline.

Labcorp Genetics (formerly Invitae), Labcorp
Classification: Uncertain significance. Last evaluated: 2021-06-23. Review status: criteria provided, single submitter. Criteria: Invitae Variant Classification Sherloc (09022015). Collection method: clinical testing. Allele origin: germline.
Comment: In summary, the available evidence is currently insufficient to determine the role of this variant in disease. Therefore, it has been classified as a Variant of Uncertain Significance. Algorithms developed to predict the effect of missense changes on protein structure and function output the following: SIFT: "Tolerated"; PolyPhen-2: "Benign"; Align-GVGD: "Class C0". The threonine amino acid residue is found in multiple mammalian species, suggesting that this missense change does not adversely affect protein function. These predictions have not been confirmed by published functional studies and their clinical significance is uncertain. This variant has not been reported in the literature in individuals with NUP133-related conditions. This variant is not present in population databases (ExAC no frequency). This sequence change replaces serine with threonine at codon 288 of the NUP133 protein (p.Ser288Thr). The serine residue is weakly conserved and there is a small physicochemical difference between serine and threonine.

NM_018230.3(NUP133):c.863G>C (p.Ser288Thr)

Gene: NUP133 (nucleoporin 133; minus strand). Cytogenetic location: 1q42.13.
Variant type: single nucleotide variant.
Coding change: c.863G>C on transcript NM_018230.3 (MANE Select); coding-DNA position 863, G replaced by C.
Protein change: p.Ser288Thr; replaces serine 288 with threonine.
Molecular consequence: missense variant.
Genome position (GRCh38, 1-based): chr1:229,496,004, C>G on the plus strand (G>C on the coding strand, the complement: NUP133 is on the minus strand). VCF-style: chr1-229496004-C-G. GRCh37 (hg19) VCF-style: chr1-229631751-C-G.
Other names: c.863G>C (NM_018230.2); short protein forms S288T.
Identifiers: ClinVar variation 1436717 (VCV001436717.10), dbSNP rs141292601, ClinGen allele CA38818145.